The following is an entry in ClinVar:

ClinVar aggregate classification (germline): Uncertain significance (1 of 4 stars; one submission).

gnomAD v4.1: 5 of 1,544,944 alleles (0.00032%); highest among the groups gnomAD compares: East Asian, 0.012%; no homozygotes.

Submission:

Labcorp Genetics (formerly Invitae), Labcorp
Classification: Uncertain significance. Last evaluated: 2025-10-10. Review status: criteria provided, single submitter. Criteria: Invitae Variant Classification Sherloc (09022015). Collection method: clinical testing. Allele origin: germline.
Comment: This sequence change replaces alanine, which is neutral and non-polar, with threonine, which is neutral and polar, at codon 434 of the RIMS1 protein (p.Ala434Thr). The frequency data for this variant in the population databases is considered unreliable, as metrics indicate poor data quality at this position in the gnomAD database. This variant has not been reported in the literature in individuals affected with RIMS1-related conditions. An algorithm developed to predict the effect of missense changes on protein structure and function (PolyPhen-2) suggests that this variant is likely to be tolerated. In summary, the available evidence is currently insufficient to determine the role of this variant in disease. Therefore, it has been classified as a Variant of Uncertain Significance.

NM_014989.7(RIMS1):c.1300G>A (p.Ala434Thr)

Gene: RIMS1 (regulating synaptic membrane exocytosis 1; plus strand). Cytogenetic location: 6q13.
Variant type: single nucleotide variant.
Coding change: c.1300G>A on transcript NM_014989.7 (MANE Select); coding-DNA position 1300, G replaced by A.
Protein change: p.Ala434Thr; replaces alanine 434 with threonine.
Molecular consequence: missense variant.
Genome position (GRCh38, 1-based): chr6:72,182,771, G>A. VCF-style: chr6-72182771-G-A. GRCh37 (hg19) VCF-style: chr6-72892474-G-A.
Other names: short protein forms A434T.
Identifiers: ClinVar variation 4701210 (VCV004701210.1).